The following is an entry in ClinVar:

ClinVar aggregate classification (germline): Likely benign. Review status: criteria provided, multiple submitters, no conflicts (2 of 4 stars). 2 submissions from 2 submitters: Likely benign (2). Last evaluated 2025-06-24.

Conditions:
Epileptic encephalopathy. Identifiers: MedGen C0543888, HP:0200134.

Allele frequency attached by ClinVar (database versions not stated): gnomAD 0.00001; TOPMed 0.00003; ESP Exome Variant Server 0.00008; 1000 Genomes Project 30x 0.00016; 1000 Genomes Project 0.00020.
gnomAD v4.1: 8 of 1,604,764 alleles (0.0005%); highest among the groups gnomAD compares: African/African-American, 0.0027%; no homozygotes.

Submissions (2):

Labcorp Genetics (formerly Invitae), Labcorp
Classification: Likely benign for Epileptic encephalopathy. Last evaluated: 2025-06-24. Review status: criteria provided, single submitter. Criteria: Invitae Variant Classification Sherloc (09022015). Collection method: clinical testing. Allele origin: germline.

GeneDx
Classification: Likely benign. Last evaluated: 2016-08-12. Review status: criteria provided, single submitter. Criteria: GeneDx Variant Classification (06012015). Collection method: clinical testing. Allele origin: germline. Affected: yes.
Comment: This variant is considered likely benign or benign based on one or more of the following criteria: it is a conservative change, it occurs at a poorly conserved position in the protein, it is predicted to be benign by multiple in silico algorithms, and/or has population frequency not consistent with disease.

NM_004104.5(FASN):c.3273C>T (p.Gly1091=)

Gene: FASN (fatty acid synthase; minus strand). Cytogenetic location: 17q25.3.
Variant type: single nucleotide variant.
Coding change: c.3273C>T on transcript NM_004104.5 (MANE Select); coding-DNA position 3273, C replaced by T.
Protein change: p.Gly1091=; no amino-acid change (glycine 1091 retained).
Molecular consequence: synonymous variant.
Genome position (GRCh38, 1-based): chr17:82,087,204, G>A on the plus strand (C>T on the coding strand, the complement: FASN is on the minus strand). VCF-style: chr17-82087204-G-A. GRCh37 (hg19) VCF-style: chr17-80045080-G-A.
Identifiers: ClinVar variation 388302 (VCV000388302.3), dbSNP rs372671220, ClinGen allele CA8852449.